The following is an entry in ClinVar:

ClinVar aggregate classification (germline): Uncertain significance. Review status: criteria provided, multiple submitters, no conflicts (2 of 4 stars). 2 submissions from 2 submitters: Uncertain significance (2). Last evaluated 2025-05-09.

Conditions:
ELP1-Associated Medulloblastoma. Identifiers: MedGen C5670652.

Submissions (2):

Labcorp Genetics (formerly Invitae), Labcorp
Classification: Uncertain significance. Last evaluated: 2025-05-09. Review status: criteria provided, single submitter. Criteria: Invitae Variant Classification Sherloc (09022015). Collection method: clinical testing. Allele origin: germline.
Comment: This sequence change replaces serine, which is neutral and polar, with isoleucine, which is neutral and non-polar, at codon 548 of the ELP1 protein (p.Ser548Ile). This variant also falls at the last nucleotide of exon 14, which is part of the consensus splice site for this exon. This variant is not present in population databases (gnomAD no frequency). This variant has not been reported in the literature in individuals affected with ELP1-related conditions. An algorithm developed to predict the effect of missense changes on protein structure and function (PolyPhen-2) suggests that this variant is likely to be disruptive. Variants that disrupt the consensus splice site are a relatively common cause of aberrant splicing (PMID: 17576681, 9536098). Algorithms developed to predict the effect of sequence changes on RNA splicing suggest that this variant may disrupt the consensus splice site. In summary, the available evidence is currently insufficient to determine the role of this variant in disease. Therefore, it has been classified as a Variant of Uncertain Significance.

Institute for Genomic Medicine (IGM) Clinical Laboratory, Nationwide Children's Hospital
Classification: Uncertain significance for ELP1-Associated Medulloblastoma. Last evaluated: 2024-10-30. Review status: criteria provided, single submitter. Criteria: ACMG Guidelines, 2015. Collection method: clinical testing. Allele origin: germline.
Comment: This variant is absent from or present at an exceedingly low frequency in gnomAD, a large-scale control population database (ACMG/AMP: PM2). This variant results in a missense alteration in a gene for which primarily truncating variants are known to cause disease (ACMG/AMP: BP1). This variant is predicted to be tolerated by multiple in silico tools (ACMG/AMP: BP4).

Literature cited by the submitters: PubMed 17576681 (cited by Labcorp Genetics (formerly Invitae), Labcorp); PubMed 9536098 (cited by Labcorp Genetics (formerly Invitae), Labcorp).

NM_003640.5(ELP1):c.1643G>T (p.Ser548Ile)

Gene: ELP1 (elongator acetyltransferase complex subunit 1; minus strand). Cytogenetic location: 9q31.3.
Variant type: single nucleotide variant.
Coding change: c.1643G>T on transcript NM_003640.5 (MANE Select); coding-DNA position 1643, G replaced by T.
Protein change: p.Ser548Ile; replaces serine 548 with isoleucine.
Molecular consequence: missense variant.
Genome position (GRCh38, 1-based): chr9:108,906,303, C>A on the plus strand (G>T on the coding strand, the complement: ELP1 is on the minus strand). VCF-style: chr9-108906303-C-A. GRCh37 (hg19) VCF-style: chr9-111668583-C-A.
Other names: c.1301G>T, p.Ser434Ile (NM_001318360.2); c.596G>T, p.Ser199Ile (NM_001330749.2); short protein forms S199I, S434I, S548I.
Identifiers: ClinVar variation 4702439 (VCV004702439.1).
Genomic context (GRCh38, chr9:108,906,303, plus strand): 5'-AAAGACAAAAACCTAACTCCATTTGCTTAACATGTGGAGTACAGGGAAAAACTGCAATAC[C>A]TGACATTGAGCTGTCCATGCTCTTCATCCATCTCAGAAGAAGCTGCAGTCAAATGGTGAA-3'
Protein context (NP_003631.2, residues 538-558): MDEEHGQLNV[Ser548Ile]SSAAVDGVII